The following is an entry in ClinVar:

ClinVar aggregate classification (germline): Uncertain significance (1 of 4 stars; one submission).

Submission:

Labcorp Genetics (formerly Invitae), Labcorp
Classification: Uncertain significance. Last evaluated: 2025-12-21. Review status: criteria provided, single submitter. Criteria: Invitae Variant Classification Sherloc (09022015). Collection method: clinical testing. Allele origin: germline.
Comment: This sequence change replaces alanine, which is neutral and non-polar, with threonine, which is neutral and polar, at codon 379 of the IKZF1 protein (p.Ala379Thr). This variant is not present in population databases (gnomAD no frequency). This variant has not been reported in the literature in individuals affected with IKZF1-related conditions. ClinVar contains an entry for this variant (Variation ID: 3676433). An algorithm developed to predict the effect of missense changes on protein structure and function (PolyPhen-2) suggests that this variant is likely to be tolerated. In summary, the available evidence is currently insufficient to determine the role of this variant in disease. Therefore, it has been classified as a Variant of Uncertain Significance.

NM_006060.6(IKZF1):c.1135G>A (p.Ala379Thr)

Gene: IKZF1 (IKAROS family zinc finger 1; plus strand). Cytogenetic location: 7p12.2.
Variant type: single nucleotide variant.
Coding change: c.1135G>A on transcript NM_006060.6 (MANE Select); coding-DNA position 1135, G replaced by A.
Protein change: p.Ala379Thr; replaces alanine 379 with threonine.
Molecular consequence: missense variant.
Genome position (GRCh38, 1-based): chr7:50,400,202, G>A. VCF-style: chr7-50400202-G-A. GRCh37 (hg19) VCF-style: chr7-50467900-G-A.
Other names: c.1009G>A, p.Ala337Thr (NM_001220765.3, NM_001291837.2); c.844G>A, p.Ala282Thr (NM_001220767.2); c.874G>A, p.Ala292Thr (NM_001220768.2, NM_001291838.2); c.718G>A, p.Ala240Thr (NM_001220770.2); c.706G>A, p.Ala236Thr (NM_001220771.2, NM_001291841.1); c.748G>A, p.Ala250Thr (NM_001291839.2); c.445G>A, p.Ala149Thr (NM_001291840.1); c.676G>A, p.Ala226Thr (NM_001291842.1); and 3 more; short protein forms A149T, A184T, A194T, A379T, A250T, A337T, A399T, A226T.
Identifiers: ClinVar variation 3676433 (VCV003676433.2).